The following is an entry in ClinVar:

ClinVar aggregate classification (germline): Uncertain significance (1 of 4 stars; one submission).

Conditions:
ZBTB20-related disorder. Also called: ZBTB20-related condition.

Submission:

PreventionGenetics, part of Exact Sciences
Classification: Uncertain significance for ZBTB20-related condition. Last evaluated: 2026-04-02. Review status: criteria provided, single submitter. Criteria: ACMG Guidelines, 2015. Collection method: clinical testing. Allele origin: germline.
Comment: The ZBTB20 c.619T>C variant is predicted to result in the amino acid substitution p.Ser207Pro. To our knowledge, this variant has not been reported in the literature or in a large population database (gnomAD), indicating this variant is rare. At this time, the clinical significance of this variant is uncertain due to the absence of conclusive functional and genetic evidence.

NM_001348800.3(ZBTB20):c.619T>C (p.Ser207Pro)

Gene: ZBTB20 (zinc finger and BTB domain containing 20; minus strand). Cytogenetic location: 3q13.31.
Variant type: single nucleotide variant.
Coding change: c.619T>C on transcript NM_001348800.3 (MANE Select); coding-DNA position 619, T replaced by C.
Protein change: p.Ser207Pro; replaces serine 207 with proline.
Molecular consequence: missense variant.
Genome position (GRCh38, 1-based): chr3:114,351,459, A>G on the plus strand (T>C on the coding strand, the complement: ZBTB20 is on the minus strand). VCF-style: chr3-114351459-A-G. GRCh37 (hg19) VCF-style: chr3-114070306-A-G.
Other names: c.619T>C, p.Ser207Pro (NM_001164342.2, NM_001348803.3, NM_001393393.1 and 1 more transcripts); c.400T>C, p.Ser134Pro (NM_001164343.2, NM_001164344.4, NM_001164345.4 and 9 more transcripts); short protein forms S134P, S207P.
Identifiers: ClinVar variation 4984070 (VCV004984070.1).
Genomic context (GRCh38, chr3:114,351,459, plus strand): 5'-TGTCGCTGCTCTGGCCTGACGTGCCTGACTCGGGAGTGCCCCGCGGCGTGTCCTGGCCCG[A>G]GTCCTGGATCCCCGGGAACACATCGCCCACGTTCTGTGACACGATGCGCGTGCACTCGTC-3'
Protein context (NP_001335729.1, residues 197-217): VGDVFPGIQD[Ser207Pro]GQDTPRGTPE